The following is an entry in ClinVar:

ClinVar aggregate classification (germline): Uncertain significance. Review status: criteria provided, single submitter (1 of 4 stars). 2 submissions from 2 submitters: Uncertain significance (1). 1 of the submissions does not count toward it. Last evaluated 2022-05-20.

Conditions:
Joubert syndrome. Also called: Familial aplasia of the vermis; JOUBERT-BOLTSHAUSER SYNDROME. Identifiers: Orphanet 475, MedGen C5979921, MONDO:0018772.
Meckel-Gruber syndrome. Also called: Dysencephalia splachnocystica; DYSENCEPHALIA SPLANCHNOCYSTICA; GRUBER SYNDROME. Identifiers: Orphanet 564, MedGen C0265215, MONDO:0018921.
MKS1-related disorder. Also called: MKS1-related condition; MKS1-related disorders. Identifiers: MedGen CN239382.

Allele frequency attached by ClinVar (database versions not stated): gnomAD 0.00001; ExAC 0.00002; TOPMed 0.00002; 1000 Genomes Project 0.00020; 1000 Genomes Project 30x 0.00031.
gnomAD v4.1: 7 of 1,613,340 alleles (0.00043%); highest among the groups gnomAD compares: Admixed American, 0.0067%; no homozygotes.

Submissions (2):

Labcorp Genetics (formerly Invitae), Labcorp
Classification: Uncertain significance for Joubert syndrome; Meckel-Gruber syndrome. Last evaluated: 2022-05-20. Review status: criteria provided, single submitter. Criteria: Invitae Variant Classification Sherloc (09022015). Collection method: clinical testing. Allele origin: germline.
Comment: This sequence change replaces tyrosine, which is neutral and polar, with cysteine, which is neutral and slightly polar, at codon 218 of the MKS1 protein (p.Tyr218Cys). This variant is present in population databases (rs201758855, gnomAD 0.01%). This variant has not been reported in the literature in individuals affected with MKS1-related conditions. Advanced modeling of protein sequence and biophysical properties (such as structural, functional, and spatial information, amino acid conservation, physicochemical variation, residue mobility, and thermodynamic stability) performed at Invitae indicates that this missense variant is not expected to disrupt MKS1 protein function. Algorithms developed to predict the effect of sequence changes on RNA splicing suggest that this variant may create or strengthen a splice site. In summary, the available evidence is currently insufficient to determine the role of this variant in disease. Therefore, it has been classified as a Variant of Uncertain Significance.

PreventionGenetics, part of Exact Sciences
Classification: Uncertain significance for MKS1-related condition. Last evaluated: 2024-05-31. Review status: no assertion criteria provided. Collection method: clinical testing. Allele origin: germline. Not counted in ClinVar's aggregate classification.
Comment: The MKS1 c.653A>G variant is predicted to result in the amino acid substitution p.Tyr218Cys. To our knowledge, this variant has not been reported in the literature. This variant is reported in 0.014% of alleles in individuals of Latino descent in gnomAD. At this time, the clinical significance of this variant is uncertain due to the absence of conclusive functional and genetic evidence.

NM_017777.4(MKS1):c.653A>G (p.Tyr218Cys)

Gene: MKS1 (MKS transition zone complex subunit 1; minus strand). Cytogenetic location: 17q22.
Variant type: single nucleotide variant.
Coding change: c.653A>G on transcript NM_017777.4 (MANE Select); coding-DNA position 653, A replaced by G.
Protein change: p.Tyr218Cys; replaces tyrosine 218 with cysteine.
Molecular consequence: missense variant.
Genome position (GRCh38, 1-based): chr17:58,213,861, T>C on the plus strand (A>G on the coding strand, the complement: MKS1 is on the minus strand). VCF-style: chr17-58213861-T-C. GRCh37 (hg19) VCF-style: chr17-56291222-T-C.
Other names: c.44A>G, p.Tyr15Cys (NM_001321268.2); c.653A>G, p.Tyr218Cys (NM_001321269.2, NM_001330397.2, NM_001411113.1); short protein forms Y15C, Y218C.
Identifiers: ClinVar variation 2418642 (VCV002418642.6), dbSNP rs201758855, ClinGen allele CA8669444.
Genomic context (GRCh38, chr17:58,213,861, plus strand): 5'-ACTGTGATCACACCATTGCTATCCACCTTCAGAGTACACAGGACATGTTCATACTTCTTA[T>C]AGCCAAGCCTAGAAATCAGGAAAACACCAAGGTTGAGGTCAATGGTCCTTCAGGGAAACA-3'
Protein context (NP_060247.2, residues 208-228): ADLGPYKKLG[Tyr218Cys]KKYEHVLCTL